The following is an entry in ClinVar:

NM_001035.3(RYR2):c.7696C>T (p.Arg2566Trp)

Gene: RYR2 (ryanodine receptor 2; plus strand). Cytogenetic location: 1q43.
Variant type: single nucleotide variant.
Coding change: c.7696C>T on transcript NM_001035.3 (MANE Select); coding-DNA position 7696, C replaced by T.
Protein change: p.Arg2566Trp; replaces arginine 2566 with tryptophan.
Molecular consequence: missense variant.
Genome position (GRCh38, 1-based): chr1:237,650,060, C>T. VCF-style: chr1-237650060-C-T. GRCh37 (hg19) VCF-style: chr1-237813360-C-T.
Other names: c.7696C>T, p.Arg2566Trp (LRG_402t1); short protein forms R2566W.
Identifiers: ClinVar variation 463641 (VCV000463641.9), dbSNP rs773475551, ClinGen allele CA087446.

ClinVar aggregate classification (germline): Uncertain significance. Review status: criteria provided, multiple submitters, no conflicts (2 of 4 stars). 2 submissions from 2 submitters: Uncertain significance (2). Last evaluated 2025-09-22.

Conditions:
Cardiomyopathy (CMYO). Also called: Cardiomyopathies. Identifiers: Orphanet 167848, MedGen C0878544, MONDO:0004994, HP:0001638. Inheritance: Various modes of inheritance.
Catecholaminergic polymorphic ventricular tachycardia 1. Also called: VENTRICULAR TACHYCARDIA, STRESS-INDUCED POLYMORPHIC 1; VENTRICULAR TACHYCARDIA, CATECHOLAMINERGIC POLYMORPHIC, 1, WITH OR WITHOUT ATRIAL DYSFUNCTION AND/OR DILATED CARDIOMYOPATHY; RYR2-Related Catecholaminergic Polymorphic Ventricular Tachycardia. Identifiers: Orphanet 3286, MedGen C1631597, MONDO:0011484, OMIM 604772.

Allele frequency attached by ClinVar (database versions not stated): gnomAD exomes below 0.00001 and 0.00001; TOPMed below 0.00001; ExAC 0.00002.
gnomAD v4.1: 6 of 1,613,974 alleles (0.00037%); highest among the groups gnomAD compares: South Asian, 0.0011%; no homozygotes.

Submissions (2):

Color Diagnostics, LLC DBA Color Health
Classification: Uncertain significance for Cardiomyopathy. Last evaluated: 2025-09-22. Review status: criteria provided, single submitter. Criteria: ACMG Guidelines, 2015. Collection method: clinical testing. Allele origin: germline.
Comment: This missense variant replaces arginine with tryptophan at codon 2566 of the RYR2 protein. Computational prediction suggests that this variant may have deleterious impact on protein structure and function. To our knowledge, functional studies have not been reported for this variant. This variant has not been reported in individuals affected with RYR2-related disorders in the literature. This variant has been identified in 2/249268 chromosomes in the general population by the Genome Aggregation Database (gnomAD). The available evidence is insufficient to determine the role of this variant in disease conclusively. Therefore, this variant is classified as a Variant of Uncertain Significance.

Labcorp Genetics (formerly Invitae), Labcorp
Classification: Uncertain significance for Catecholaminergic polymorphic ventricular tachycardia 1. Last evaluated: 2022-03-22. Review status: criteria provided, single submitter. Criteria: Invitae Variant Classification Sherloc (09022015). Collection method: clinical testing. Allele origin: germline.
Comment: In summary, the available evidence is currently insufficient to determine the role of this variant in disease. Therefore, it has been classified as a Variant of Uncertain Significance. Advanced modeling of protein sequence and biophysical properties (such as structural, functional, and spatial information, amino acid conservation, physicochemical variation, residue mobility, and thermodynamic stability) performed at Invitae indicates that this missense variant is expected to disrupt RYR2 protein function. ClinVar contains an entry for this variant (Variation ID: 463641). This variant has not been reported in the literature in individuals affected with RYR2-related conditions. This variant is present in population databases (rs773475551, gnomAD 0.003%). This sequence change replaces arginine, which is basic and polar, with tryptophan, which is neutral and slightly polar, at codon 2566 of the RYR2 protein (p.Arg2566Trp).